The following is an entry in ClinVar:

NM_001001557.4(GDF6):c.460A>C (p.Met154Leu)

Gene: GDF6 (growth differentiation factor 6; minus strand). Cytogenetic location: 8q22.1.
Variant type: single nucleotide variant.
Coding change: c.460A>C on transcript NM_001001557.4 (MANE Select); coding-DNA position 460, A replaced by C.
Protein change: p.Met154Leu; replaces methionine 154 with leucine.
Molecular consequence: missense variant.
Genome position (GRCh38, 1-based): chr8:96,145,471, T>G on the plus strand (A>C on the coding strand, the complement: GDF6 is on the minus strand). VCF-style: chr8-96145471-T-G. GRCh37 (hg19) VCF-style: chr8-97157699-T-G.
Other names: short protein forms M154L.
Identifiers: ClinVar variation 1405805 (VCV001405805.6), dbSNP rs766667262, ClinGen allele CA4815453.
Genomic context (GRCh38, chr8:96,145,471, plus strand): 5'-AGGGCGCCTGGCGAAAGAGCCGCAGCTCCGCGCCCACCAGCTCTTCTTTGTCTGAGAGCA[T>G]GGACACATCAAACAAATACTTCTGTCTCCGGAGAGGAGTGTGCGAGAGATCGTCTGCGAG-3'
Protein context (NP_001001557.1, residues 144-164): RRQKYLFDVS[Met154Leu]LSDKEELVGA

ClinVar aggregate classification (germline): Uncertain significance (1 of 4 stars; one submission).

Conditions:
Isolated microphthalmia 4. Identifiers: Orphanet 2542, MedGen C2751307, MONDO:0013130, OMIM 613094.
Klippel-Feil syndrome 1, autosomal dominant (KFS1). Also called: CERVICAL VERTEBRAL FUSION, AUTOSOMAL DOMINANT. Identifiers: Orphanet 2345, MedGen C1861689, MONDO:0007306, OMIM 118100.
Leber congenital amaurosis 17 (LCA17). Identifiers: Orphanet 65, MedGen C3715164, MONDO:0014145, OMIM 615360.
Microphthalmia, isolated, with coloboma 6 (MCOPCB6). Also called: Microphthalmia with coloboma 6, digenic; Microphthalmia with coloboma 6; MICROPHTHALMIA/COLOBOMA 6. Identifiers: Orphanet 98938, MedGen C3150968, MONDO:0013376, OMIM 613703.

Submission:

Labcorp Genetics (formerly Invitae), Labcorp
Classification: Uncertain significance for Isolated microphthalmia 4; Leber congenital amaurosis 17; Klippel-Feil syndrome 1, autosomal dominant; Microphthalmia, isolated, with coloboma 6. Last evaluated: 2025-04-23. Review status: criteria provided, single submitter. Criteria: Invitae Variant Classification Sherloc (09022015). Collection method: clinical testing. Allele origin: germline.
Comment: This sequence change replaces methionine, which is neutral and non-polar, with leucine, which is neutral and non-polar, at codon 154 of the GDF6 protein (p.Met154Leu). This variant is present in population databases (rs766667262, gnomAD 0.04%), and has an allele count higher than expected for a pathogenic variant. This missense change has been observed in individual(s) with anophthalmia (PMID: 20494911). ClinVar contains an entry for this variant (Variation ID: 1405805). Invitae Evidence Modeling of protein sequence and biophysical properties (such as structural, functional, and spatial information, amino acid conservation, physicochemical variation, residue mobility, and thermodynamic stability) indicates that this missense variant is not expected to disrupt GDF6 protein function with a negative predictive value of 80%. In summary, the available evidence is currently insufficient to determine the role of this variant in disease. Therefore, it has been classified as a Variant of Uncertain Significance.

Literature cited by the submitters: PubMed 20494911.